The following is an entry in ClinVar:

NM_001365308.1(BMPER):c.2027G>A (p.Cys676Tyr)

Gene: BMPER (BMP binding endothelial regulator; plus strand). Cytogenetic location: 7p14.3.
Variant type: single nucleotide variant.
Coding change: c.2027G>A on transcript NM_001365308.1 (MANE Select); coding-DNA position 2027, G replaced by A.
Protein change: p.Cys676Tyr; replaces cysteine 676 with tyrosine.
Molecular consequence: missense variant.
Genome position (GRCh38, 1-based): chr7:34,153,242, G>A. VCF-style: chr7-34153242-G-A. GRCh37 (hg19) VCF-style: chr7-34192854-G-A.
Other names: c.1697G>A, p.Cys566Tyr (NM_001410872.1); c.2027G>A, p.Cys676Tyr (NM_133468.5); c.2027G>A (NM_133468.4); short protein forms C566Y, C676Y.
Identifiers: ClinVar variation 2073965 (VCV002073965.5), dbSNP rs1386910417, ClinGen allele CA367182044.

ClinVar aggregate classification (germline): Uncertain significance. Review status: criteria provided, multiple submitters, no conflicts (2 of 4 stars). 2 submissions from 2 submitters: Uncertain significance (2). Last evaluated 2024-03-14.

Allele frequency attached by ClinVar (database versions not stated): gnomAD 0.00001; TOPMed 0.00001.
gnomAD v4.1: 1 of 1,613,936 alleles (0.000062%); highest among the groups gnomAD compares: African/African-American, 0.0013%; no homozygotes.

Submissions (2):

GeneDx
Classification: Uncertain significance. Last evaluated: 2024-03-14. Review status: criteria provided, single submitter. Criteria: GeneDx Variant Classification Process June 2021. Collection method: clinical testing. Allele origin: germline. Affected: yes.
Comment: Not observed at significant frequency in large population cohorts (gnomAD); In silico analysis supports that this missense variant has a deleterious effect on protein structure/function; Has not been previously published as pathogenic or benign to our knowledge

Labcorp Genetics (formerly Invitae), Labcorp
Classification: Uncertain significance. Last evaluated: 2022-06-30. Review status: criteria provided, single submitter. Criteria: Invitae Variant Classification Sherloc (09022015). Collection method: clinical testing. Allele origin: germline.
Comment: This variant is not present in population databases (gnomAD no frequency). In summary, the available evidence is currently insufficient to determine the role of this variant in disease. Therefore, it has been classified as a Variant of Uncertain Significance. Algorithms developed to predict the effect of missense changes on protein structure and function (SIFT, PolyPhen-2, Align-GVGD) all suggest that this variant is likely to be disruptive. This variant has not been reported in the literature in individuals affected with BMPER-related conditions. This sequence change replaces cysteine, which is neutral and slightly polar, with tyrosine, which is neutral and polar, at codon 676 of the BMPER protein (p.Cys676Tyr).